The following is an entry in ClinVar:

ClinVar aggregate classification (germline): Conflicting classifications of pathogenicity. Review status: criteria provided, conflicting classifications (1 of 4 stars). 2 submissions from 2 submitters: Uncertain significance (1); Likely benign (1). Last evaluated 2025-06-01.

Conditions:
Inborn genetic diseases. Identifiers: MedGen C0950123, MeSH D030342.

Allele frequency attached by ClinVar (database versions not stated): gnomAD exomes below 0.00001; ExAC 0.00002; gnomAD 0.00005; ESP Exome Variant Server 0.00008; TOPMed 0.00008.
gnomAD v4.1: 12 of 1,614,016 alleles (0.00074%); highest among the groups gnomAD compares: African/African-American, 0.016%; no homozygotes.

Submissions (2):

Labcorp Genetics (formerly Invitae), Labcorp
Classification: Uncertain significance. Last evaluated: 2025-06-01. Review status: criteria provided, single submitter. Criteria: Invitae Variant Classification Sherloc (09022015). Collection method: clinical testing. Allele origin: germline.
Comment: This sequence change replaces lysine, which is basic and polar, with glutamic acid, which is acidic and polar, at codon 1677 of the SON protein (p.Lys1677Glu). This variant is present in population databases (rs141495709, gnomAD 0.008%). This variant has not been reported in the literature in individuals affected with SON-related conditions. ClinVar contains an entry for this variant (Variation ID: 2414944). An algorithm developed to predict the effect of missense changes on protein structure and function outputs the following: PolyPhen-2: "Possibly Damaging". The glutamic acid amino acid residue is found in multiple mammalian species, which suggests that this missense change does not adversely affect protein function. In summary, the available evidence is currently insufficient to determine the role of this variant in disease. Therefore, it has been classified as a Variant of Uncertain Significance.

Ambry Genetics
Classification: Likely benign for Inborn genetic diseases. Last evaluated: 2025-05-01. Review status: criteria provided, single submitter. Criteria: Ambry Variant Classification Scheme 2023. Collection method: clinical testing. Allele origin: germline.

NM_138927.4(SON):c.5029A>G (p.Lys1677Glu)

Gene: SON (SON DNA and RNA binding protein; plus strand). Cytogenetic location: 21q22.11.
Variant type: single nucleotide variant.
Coding change: c.5029A>G on transcript NM_138927.4 (MANE Select); coding-DNA position 5029, A replaced by G.
Protein change: p.Lys1677Glu; replaces lysine 1677 with glutamic acid.
Molecular consequence: missense variant. On other transcripts: non-coding transcript variant (1), intron variant (1).
Genome position (GRCh38, 1-based): chr21:33,554,260, A>G. VCF-style: chr21-33554260-A-G. GRCh37 (hg19) VCF-style: chr21-34926566-A-G.
Other names: c.5029A>G, p.Lys1677Glu (NM_001291411.2, NM_001412133.1, NM_032195.3 and 2 more transcripts); c.245-2896A>G (NM_001291412.3); c.5029A>G (NM_138927.1); short protein forms K1677E.
Identifiers: ClinVar variation 2414944 (VCV002414944.7), dbSNP rs141495709, ClinGen allele CA10009644.
Genomic context (GRCh38, chr21:33,554,260, plus strand): 5'-GGGCCTTTGCCTGCTAAAGATATTCATCTTGATTTACCATCTAATAATAACCTTGTTAGT[A>G]AGGATACAGAAGAACCATTACCTGTAAAAGAGAGTGACCAGACATTAGCAGCTCTGCTCA-3'
Protein context (NP_620305.3, residues 1667-1687): DLPSNNNLVS[Lys1677Glu]DTEEPLPVKE